The following is an entry in ClinVar:

ClinVar aggregate classification (germline): Uncertain significance. Review status: criteria provided, multiple submitters, no conflicts (2 of 4 stars). 3 submissions from 3 submitters: Uncertain significance (3). Last evaluated 2026-01-12.

Conditions:
Inborn genetic diseases. Identifiers: MedGen C0950123, MeSH D030342.

Allele frequency attached by ClinVar (database versions not stated): ExAC below 0.00001; gnomAD exomes 0.00008.
gnomAD v4.1: 403 of 1,429,808 alleles (0.028%); highest among the groups gnomAD compares: Non-Finnish European, 0.036%; no homozygotes.

Submissions (3):

Labcorp Genetics (formerly Invitae), Labcorp
Classification: Uncertain significance. Last evaluated: 2026-01-12. Review status: criteria provided, single submitter. Criteria: Invitae Variant Classification Sherloc (09022015). Collection method: clinical testing. Allele origin: germline.
Comment: This sequence change replaces proline, which is neutral and non-polar, with alanine, which is neutral and non-polar, at codon 889 of the AP3D1 protein (p.Pro889Ala). The frequency data for this variant in the population databases is considered unreliable, as metrics indicate poor data quality at this position in the gnomAD database. This variant has not been reported in the literature in individuals affected with AP3D1-related conditions. ClinVar contains an entry for this variant (Variation ID: 1019339). An algorithm developed to predict the effect of missense changes on protein structure and function (PolyPhen-2) suggests that this variant is likely to be tolerated. In summary, the available evidence is currently insufficient to determine the role of this variant in disease. Therefore, it has been classified as a Variant of Uncertain Significance.

CeGaT Center for Human Genetics Tuebingen
Classification: Uncertain significance. Last evaluated: 2025-08-01. Review status: criteria provided, single submitter. Criteria: CeGaT Center For Human Genetics Tuebingen Variant Classification Criteria Version 2. Collection method: clinical testing. Allele origin: germline. Affected: yes. Observed: 1 variant allele.
Comment: AP3D1: PM2, BP4

Ambry Genetics
Classification: Uncertain significance for Inborn genetic diseases. Last evaluated: 2023-09-27. Review status: criteria provided, single submitter. Criteria: Ambry Variant Classification Scheme 2023. Collection method: clinical testing. Allele origin: germline.

NM_001261826.3(AP3D1):c.2665C>G (p.Pro889Ala)

Gene: AP3D1 (adaptor related protein complex 3 subunit delta 1; minus strand). Cytogenetic location: 19p13.3.
Variant type: single nucleotide variant.
Coding change: c.2665C>G on transcript NM_001261826.3 (MANE Select); coding-DNA position 2665, C replaced by G.
Protein change: p.Pro889Ala; replaces proline 889 with alanine.
Molecular consequence: missense variant. On other transcripts: intron variant (1).
Genome position (GRCh38, 1-based): chr19:2,113,350, G>C on the plus strand (C>G on the coding strand, the complement: AP3D1 is on the minus strand). VCF-style: chr19-2113350-G-C. GRCh37 (hg19) VCF-style: chr19-2113349-G-C.
Other names: NM_001077523.1:c.2392C>G; c.2665C>G, p.Pro889Ala (NM_001374799.1); c.2601+775C>G (NM_003938.8); short protein forms P889A.
Identifiers: ClinVar variation 1019339 (VCV001019339.15), dbSNP rs773387498, ClinGen allele CA9058782.